The following is an entry in ClinVar:

NM_004656.4(BAP1):c.1202A>C (p.Tyr401Ser)

Gene: BAP1 (BRCA1 associated deubiquitinase 1; minus strand). Cytogenetic location: 3p21.1.
Variant type: single nucleotide variant.
Coding change: c.1202A>C on transcript NM_004656.4 (MANE Select); coding-DNA position 1202, A replaced by C.
Protein change: p.Tyr401Ser; replaces tyrosine 401 with serine.
Molecular consequence: missense variant.
Genome position (GRCh38, 1-based): chr3:52,404,501, T>G on the plus strand (A>C on the coding strand, the complement: BAP1 is on the minus strand). VCF-style: chr3-52404501-T-G. GRCh37 (hg19) VCF-style: chr3-52438517-T-G.
Other names: c.1148A>C, p.Tyr383Ser (NM_001410772.1); short protein forms Y383S, Y401S.
Identifiers: ClinVar variation 5032761 (VCV005032761.1).

ClinVar aggregate classification (germline): Uncertain significance (1 of 4 stars; one submission).

Conditions:
Hereditary cancer-predisposing syndrome. Also called: Neoplastic Syndromes, Hereditary; Tumor predisposition; Hereditary neoplastic syndrome; Hereditary Cancer Syndrome. Identifiers: Orphanet 140162, MedGen C0027672, MeSH D009386, MONDO:0015356.

Submission:

Ambry Genetics
Classification: Uncertain significance for Hereditary cancer-predisposing syndrome. Last evaluated: 2026-08-29. Review status: criteria provided, single submitter. Criteria: Ambry Variant Classification Scheme 2023. Collection method: clinical testing. Allele origin: germline.
Comment: The p.Y401S variant (also known as c.1202A>C), located in coding exon 12 of the BAP1 gene, results from an A to C substitution at nucleotide position 1202. The tyrosine at codon 401 is replaced by serine, an amino acid with dissimilar properties. This amino acid position is conserved. In addition, this alteration is predicted to be tolerated by in silico analysis. Based on the available evidence, the clinical significance of this variant remains unclear.